The following is an entry in ClinVar:

ClinVar aggregate classification (germline): Uncertain significance (1 of 4 stars; one submission).

Allele frequency attached by ClinVar (database versions not stated): ExAC 0.00001; gnomAD exomes 0.00001.
gnomAD v4.1: 15 of 1,613,876 alleles (0.00093%); highest among the groups gnomAD compares: Middle Eastern, 0.017%; no homozygotes.

Submission:

GeneDx
Classification: Uncertain significance. Last evaluated: 2016-12-07. Review status: criteria provided, single submitter. Criteria: GeneDx Variant Classification (06012015). Collection method: clinical testing. Allele origin: germline. Affected: yes.
Comment: The c.126+5G>A variant in the ACTG2 gene has not been reported previously as a pathogenic variant nor as a benign variant, to our knowledge. This variant reduces the quality of the splice donor site in intron 2, and may cause abnormal gene splicing. The c.126+5G>A variant was not observed in approximately 6500 individuals of European and African American ancestry in the NHLBI Exome Sequencing Project, indicating it is not a common benign variant in these populations. We interpret c.126+5G>A as a variant of uncertain significance

NM_001615.4(ACTG2):c.126+5G>A

Gene: ACTG2 (actin gamma 2, smooth muscle; plus strand). Cytogenetic location: 2p13.1.
Variant type: single nucleotide variant.
Coding change: c.126+5G>A on transcript NM_001615.4 (MANE Select); 5 bases into the intron after coding-DNA position 126, G replaced by A.
Molecular consequence: intron variant.
Genome position (GRCh38, 1-based): chr2:73,901,442, G>A. VCF-style: chr2-73901442-G-A. GRCh37 (hg19) VCF-style: chr2-74128569-G-A.
Other names: c.126+5G>A (NM_001199893.2).
Identifiers: ClinVar variation 373545 (VCV000373545.1), dbSNP rs761722608, ClinGen allele CA1717819.